The following is an entry in ClinVar:

NM_001458.5(FLNC):c.7697T>C (p.Met2566Thr)

Genes: FLNC-AS1 (FLNC antisense RNA 1; minus strand), FLNC (filamin C; plus strand). Cytogenetic location: 7q32.1.
Variant type: single nucleotide variant.
Coding change: c.7697T>C on transcript NM_001458.5 (MANE Select); coding-DNA position 7697, T replaced by C.
Protein change: p.Met2566Thr; replaces methionine 2566 with threonine.
Molecular consequence: missense variant.
Genome position (GRCh38, 1-based): chr7:128,857,253, T>C. VCF-style: chr7-128857253-T-C. GRCh37 (hg19) VCF-style: chr7-128497307-T-C.
Other names: c.7598T>C, p.Met2533Thr (NM_001127487.2); short protein forms M2533T, M2566T.
Identifiers: ClinVar variation 2923718 (VCV002923718.3), dbSNP rs1421296226, ClinGen allele CA369219719.

ClinVar aggregate classification (germline): Uncertain significance (1 of 4 stars; one submission).

Conditions:
Myofibrillar myopathy 5. Also called: Filaminopathy (type); FILAMINOPATHY, AUTOSOMAL DOMINANT. Identifiers: Orphanet 171445, MedGen C1836050, MONDO:0012289, OMIM 609524.
Hypertrophic cardiomyopathy 26. Also called: Cardiomyopathy, familial hypertrophic, 26. Identifiers: Orphanet 75249, MedGen C4310749, MONDO:0014883, OMIM 617047.
Distal myopathy with posterior leg and anterior hand involvement. Also called: WILLIAMS DISTAL MYOPATHY. Identifiers: Orphanet 63273, MedGen C3279722, MONDO:0013550, OMIM 614065.

Allele frequency attached by ClinVar (database versions not stated): TOPMed below 0.00001; gnomAD 0.00001.
gnomAD v4.1: 1 of 1,613,964 alleles (0.000062%); highest among the groups gnomAD compares: African/African-American, 0.0013%; no homozygotes.

Submission:

Labcorp Genetics (formerly Invitae), Labcorp
Classification: Uncertain significance for Distal myopathy with posterior leg and anterior hand involvement; Myofibrillar myopathy 5; Hypertrophic cardiomyopathy 26. Last evaluated: 2024-09-14. Review status: criteria provided, single submitter. Criteria: Invitae Variant Classification Sherloc (09022015). Collection method: clinical testing. Allele origin: germline.
Comment: This sequence change replaces methionine, which is neutral and non-polar, with threonine, which is neutral and polar, at codon 2566 of the FLNC protein (p.Met2566Thr). This variant is present in population databases (no rsID available, gnomAD 0.01%). This variant has not been reported in the literature in individuals affected with FLNC-related conditions. Invitae Evidence Modeling of protein sequence and biophysical properties (such as structural, functional, and spatial information, amino acid conservation, physicochemical variation, residue mobility, and thermodynamic stability) indicates that this missense variant is not expected to disrupt FLNC protein function with a negative predictive value of 95%. In summary, the available evidence is currently insufficient to determine the role of this variant in disease. Therefore, it has been classified as a Variant of Uncertain Significance.